The following is an entry in ClinVar:

ClinVar aggregate classification (germline): Pathogenic. Review status: criteria provided, single submitter (1 of 4 stars). 2 submissions from 2 submitters: Pathogenic (1). 1 of the submissions does not count toward it. Last evaluated 2021-04-23.

Conditions:
Prostate cancer. Also called: Malignant tumor of prostate. Identifiers: Orphanet 1331, MedGen C0376358, MONDO:0008315, HP:0012125.

Submissions (2):

Athena Diagnostics
Classification: Pathogenic. Last evaluated: 2021-04-23. Review status: criteria provided, single submitter. Criteria: Athena Diagnostics criteria. Collection method: clinical testing. Allele origin: unknown.
Comment: This variant has not been reported in large, multi-ethnic general populations. This variant has been identified in at least one individual with clinical features associated with this gene. At least one other missense variant at this codon is considered to be pathogenic or likely pathogenic, suggesting this variant may also cause disease. This variant alters a critical location within the protein, and is expected to severely affect function and cause disease. Greater than 90% of NOTCH3 pathogenic mutations associated with CADASIL involve the gain or loss of a cysteine residue within the epidermal growth factor (EGF)-like repeat domain (PMID: 32457593, 20301673).

Science for Life laboratory,  Karolinska Institutet
Classification: Uncertain significance for Malignant tumor of prostate. Review status: no assertion criteria provided. Collection method: not provided. Allele origin: somatic. Not counted in ClinVar's aggregate classification.
Comment: TumorID:SWE-9
ClinVar note: Converted during submission from Unknown to Uncertain significance.

Literature cited by the submitters: PubMed 16328531 (cited by Athena Diagnostics); PubMed 7732783 (cited by Athena Diagnostics); PubMed 25033846 (cited by Athena Diagnostics); PubMed 26308724 (cited by Athena Diagnostics); PubMed 15364702 (cited by Athena Diagnostics).

NM_000435.3(NOTCH3):c.146G>T (p.Cys49Phe)

Gene: NOTCH3 (notch receptor 3; minus strand). Cytogenetic location: 19p13.12.
Variant type: single nucleotide variant.
Coding change: c.146G>T on transcript NM_000435.3 (MANE Select); coding-DNA position 146, G replaced by T.
Protein change: p.Cys49Phe; replaces cysteine 49 with phenylalanine.
Molecular consequence: missense variant.
Genome position (GRCh38, 1-based): chr19:15,197,551, C>A on the plus strand (G>T on the coding strand, the complement: NOTCH3 is on the minus strand). VCF-style: chr19-15197551-C-A. GRCh37 (hg19) VCF-style: chr19-15308362-C-A.
Other names: short protein forms C49F.
Identifiers: ClinVar variation 161467 (VCV000161467.3), dbSNP rs193921045, ClinGen allele CA174091.